The following is an entry in ClinVar:

NM_001174147.2(LMX1B):c.1016C>T (p.Pro339Leu)

Gene: LMX1B (LIM homeobox transcription factor 1 beta; plus strand). Cytogenetic location: 9q33.3.
Variant type: single nucleotide variant.
Coding change: c.1016C>T on transcript NM_001174147.2 (MANE Select); coding-DNA position 1016, C replaced by T.
Protein change: p.Pro339Leu; replaces proline 339 with leucine.
Molecular consequence: missense variant.
Genome position (GRCh38, 1-based): chr9:126,695,968, C>T. VCF-style: chr9-126695968-C-T. GRCh37 (hg19) VCF-style: chr9-129458247-C-T.
Other names: c.1049C>T, p.Pro350Leu (NM_001174146.2); c.1016C>T, p.Pro339Leu (NM_002316.4); short protein forms P339L, P350L.
Identifiers: ClinVar variation 4279046 (VCV004279046.2).

ClinVar aggregate classification (germline): Uncertain significance. Review status: criteria provided, multiple submitters, no conflicts (2 of 4 stars). 2 submissions from 2 submitters: Uncertain significance (2). Last evaluated 2025-08-27.

Conditions:
Nail-patella syndrome (NPS). Also called: FONG DISEASE; ONYCHOOSTEODYSPLASIA; TURNER-KIESER SYNDROME. Identifiers: Orphanet 2614, MedGen C0027341, MONDO:0008061, OMIM 161200.
Nail-patella-like renal disease. Also called: Focal Segmental Glomerulosclerosis 10; GLOMERULAR BASEMENT MEMBRANE DISEASE, NAIL-PATELLA SYNDROME TYPE. Identifiers: Orphanet 2613, MedGen C0403548, MONDO:0009724, OMIM 256020.

gnomAD v4.1: 7 of 1,612,438 alleles (0.00043%); highest among the groups gnomAD compares: Non-Finnish European, 0.00059%; no homozygotes.

Submissions (2):

Institute of Immunology and Genetics Kaiserslautern
Classification: Uncertain significance for Nail-patella syndrome; Nail-patella-like renal disease. Last evaluated: 2025-08-27. Review status: criteria provided, single submitter. Criteria: ACMG Guidelines, 2015. Collection method: clinical testing. Allele origin: germline. Affected: yes.
Comment: ACMG Criteria: PM2_P, PP3; Variant was found in heterozygous state.

Blueprint Genetics
Classification: Uncertain significance. Last evaluated: 2022-08-12. Review status: criteria provided, single submitter. Criteria: ACMG Guidelines, 2015. Collection method: clinical testing. Allele origin: germline.